The following is an entry in ClinVar:

NM_000116.5(TAFAZZIN):c.613C>A (p.Leu205Ile)

Gene: TAFAZZIN (tafazzin, phospholipid-lysophospholipid transacylase; plus strand). Cytogenetic location: Xq28.
Variant type: single nucleotide variant.
Coding change: c.613C>A on transcript NM_000116.5 (MANE Select); coding-DNA position 613, C replaced by A.
Protein change: p.Leu205Ile; replaces leucine 205 with isoleucine.
Molecular consequence: missense variant. On other transcripts: non-coding transcript variant (1).
Genome position (GRCh38, 1-based): chrX:154,420,061, C>A. VCF-style: chrX-154420061-C-A. GRCh37 (hg19) VCF-style: chrX-153648400-C-A.
Other names: c.625C>A, p.Leu209Ile (NM_001303465.2); c.577C>A, p.Leu193Ile (NM_001410698.1); c.523C>A, p.Leu175Ile (NM_181311.4); c.571C>A, p.Leu191Ile (NM_181312.4); c.481C>A, p.Leu161Ile (NM_181313.4); short protein forms L191I, L209I, L175I, L193I, L161I, L205I.
Identifiers: ClinVar variation 1998502 (VCV001998502.4), dbSNP rs782671998, ClinGen allele CA415184230.

ClinVar aggregate classification (germline): Uncertain significance (1 of 4 stars; one submission).

Conditions:
3-Methylglutaconic aciduria type 2 (BTHS). Also called: Barth syndrome; CARDIOSKELETAL MYOPATHY WITH NEUTROPENIA AND ABNORMAL MITOCHONDRIA. Identifiers: Orphanet 111, MedGen C0574083, MONDO:0010543, OMIM 302060.

Submission:

Labcorp Genetics (formerly Invitae), Labcorp
Classification: Uncertain significance for 3-Methylglutaconic aciduria type 2. Last evaluated: 2022-11-01. Review status: criteria provided, single submitter. Criteria: Invitae Variant Classification Sherloc (09022015). Collection method: clinical testing. Allele origin: germline.
Comment: In summary, the available evidence is currently insufficient to determine the role of this variant in disease. Therefore, it has been classified as a Variant of Uncertain Significance. Algorithms developed to predict the effect of missense changes on protein structure and function are either unavailable or do not agree on the potential impact of this missense change (SIFT: "Not Available"; PolyPhen-2: "Benign"; Align-GVGD: "Not Available"). This variant has not been reported in the literature in individuals affected with TAZ-related conditions. This variant is not present in population databases (gnomAD no frequency). This sequence change replaces leucine, which is neutral and non-polar, with isoleucine, which is neutral and non-polar, at codon 205 of the TAZ protein (p.Leu205Ile).